The following is an entry in ClinVar:

NM_000392.5(ABCC2):c.3988-5C>T

Gene: ABCC2 (ATP binding cassette subfamily C member 2; plus strand). Cytogenetic location: 10q24.2.
Variant type: single nucleotide variant.
Coding change: c.3988-5C>T on transcript NM_000392.5 (MANE Select); 5 bases into the intron before coding-DNA position 3988, C replaced by T.
Molecular consequence: intron variant.
Genome position (GRCh38, 1-based): chr10:99,845,619, C>T. VCF-style: chr10-99845619-C-T. GRCh37 (hg19) VCF-style: chr10-101605376-C-T.
Identifiers: ClinVar variation 799769 (VCV000799769.9), dbSNP rs376356933, ClinGen allele CA5644012.

ClinVar aggregate classification (germline): Likely benign. Review status: criteria provided, single submitter (1 of 4 stars). 2 submissions from 2 submitters: Likely benign (1). 1 of the submissions does not count toward it. Last evaluated 2024-01-10.

Conditions:
ABCC2-related disorder. Also called: ABCC2-related condition.

Allele frequency attached by ClinVar (database versions not stated): ExAC 0.00001; gnomAD exomes 0.00002 and 0.00003; gnomAD 0.00005 and 0.00006; TOPMed 0.00007; ESP Exome Variant Server 0.00008.
gnomAD v4.1: 52 of 1,613,848 alleles (0.0032%); highest among the groups gnomAD compares: African/African-American, 0.011%; no homozygotes.

Submissions (2):

Labcorp Genetics (formerly Invitae), Labcorp
Classification: Likely benign. Last evaluated: 2024-01-10. Review status: criteria provided, single submitter. Criteria: Invitae Variant Classification Sherloc (09022015). Collection method: clinical testing. Allele origin: germline.

PreventionGenetics, part of Exact Sciences
Classification: Likely benign for ABCC2-related condition. Last evaluated: 2021-04-01. Review status: no assertion criteria provided. Collection method: clinical testing. Allele origin: germline. Not counted in ClinVar's aggregate classification.
Comment: This variant is classified as likely benign based on ACMG/AMP sequence variant interpretation guidelines (Richards et al. 2015 PMID: 25741868, with internal and published modifications).